The following is an entry in ClinVar:

ClinVar aggregate classification (germline): Benign. Review status: criteria provided, multiple submitters, no conflicts (2 of 4 stars). 7 submissions from 7 submitters: Benign (7). Last evaluated 2026-02-04.

Conditions:
Myoglobinuria, acute recurrent, autosomal recessive. Also called: MYOGLOBINURIA, FAMILIAL PAROXYSMAL PARALYTIC; RHABDOMYOLYSIS, ACUTE RECURRENT; Myoglobinuria, recurrent, autosomal recessive. Identifiers: Orphanet 99845, MedGen C1849386, MONDO:0009992, OMIM 268200.

Allele frequency attached by ClinVar (database versions not stated): ESP Exome Variant Server 0.03944; gnomAD exomes 0.04482 and 0.04953; 1000 Genomes Project 0.02796; 1000 Genomes Project 30x 0.02826; TOPMed 0.03605; gnomAD 0.03693 and 0.03737; ExAC 0.04548.
gnomAD v4.1: 77,753 of 1,613,376 alleles (4.8%); highest among the groups gnomAD compares: South Asian, 6.3%; 2,118 homozygotes.

Submissions (7):

Labcorp Genetics (formerly Invitae), Labcorp
Classification: Benign. Last evaluated: 2026-02-04. Review status: criteria provided, single submitter. Criteria: Invitae Variant Classification Sherloc (09022015). Collection method: clinical testing. Allele origin: germline.

Mayo Clinic Laboratories, Mayo Clinic
Classification: Benign. Last evaluated: 2021-11-11. Review status: criteria provided, single submitter. Criteria: ACMG Guidelines, 2015. Collection method: clinical testing. Allele origin: germline. Observed: 82 variant alleles.

Illumina Laboratory Services, Illumina
Classification: Benign for Myoglobinuria, acute recurrent, autosomal recessive. Last evaluated: 2018-01-13. Review status: criteria provided, single submitter. Criteria: ICSL Variant Classification Criteria 13 December 2019. Collection method: clinical testing. Allele origin: germline.
Comment: This variant was observed in the ICSL laboratory as part of a predisposition screen in an ostensibly healthy population. It had not been previously curated by ICSL or reported in the Human Gene Mutation Database (HGMD: prior to June 1st, 2018), and was therefore a candidate for classification through an automated scoring system. Utilizing variant allele frequency, disease prevalence and penetrance estimates, and inheritance mode, an automated score was calculated to assess if this variant is too frequent to cause the disease. Based on the score and internal cut-off values, a variant classified as benign is not then subjected to further curation. The score for this variant resulted in a classification of benign for this disease.

GeneDx
Classification: Benign. Last evaluated: 2017-07-10. Review status: criteria provided, single submitter. Criteria: GeneDx Variant Classification (06012015). Collection method: clinical testing. Allele origin: germline. Affected: yes.
Comment: This variant is considered likely benign or benign based on one or more of the following criteria: it is a conservative change, it occurs at a poorly conserved position in the protein, it is predicted to be benign by multiple in silico algorithms, and/or has population frequency not consistent with disease.

Laboratory for Molecular Medicine, Mass General Brigham Personalized Medicine
Classification: Benign. Last evaluated: 2016-03-28. Review status: criteria provided, single submitter. Criteria: LMM Criteria. Collection method: clinical testing. Allele origin: germline.
Comment: Variant identified in a genome or exome case(s) and assessed due to predicted null impact of the variant or pathogenic assertions in the literature or databases. Disclaimer: This variant has not undergone full assessment. The following are preliminary notes: Frequency

Breakthrough Genomics
Classification: Benign. Review status: criteria provided, single submitter. Criteria: ACMG Guidelines, 2015. Collection method: not provided. Allele origin: germline. Inheritance: Autosomal recessive inheritance. Affected: yes.

PreventionGenetics, part of Exact Sciences
Classification: Benign. Review status: criteria provided, single submitter. Criteria: ACMG Guidelines, 2015. Collection method: clinical testing. Allele origin: germline.

NM_001349206.2(LPIN1):c.1936C>T (p.Pro646Ser)

Gene: LPIN1 (lipin 1; plus strand). Cytogenetic location: 2p25.1.
Variant type: single nucleotide variant.
Coding change: c.1936C>T on transcript NM_001349206.2 (MANE Select); coding-DNA position 1936, C replaced by T.
Protein change: p.Pro646Ser; replaces proline 646 with serine.
Molecular consequence: missense variant. On other transcripts: non-coding transcript variant (1).
Genome position (GRCh38, 1-based): chr2:11,802,956, C>T. VCF-style: chr2-11802956-C-T. GRCh37 (hg19) VCF-style: chr2-11943082-C-T.
Other names: c.1846C>T, p.Pro616Ser (NM_001261427.3); c.2083C>T, p.Pro695Ser (NM_001261428.3); c.1828C>T, p.Pro610Ser (NM_001349199.2, NM_145693.4); c.1906C>T, p.Pro636Ser (NM_001349200.2, NM_001349201.2); c.1933C>T, p.Pro645Ser (NM_001349202.2, NM_001349203.2); c.1936C>T, p.Pro646Ser (NM_001349204.2, NM_001349205.2); c.2026C>T, p.Pro676Ser (NM_001349207.2); c.1975C>T, p.Pro659Ser (NM_001349208.2); short protein forms P610S, P695S, P616S, P659S, P636S, P646S, P645S, P676S.
Identifiers: ClinVar variation 262587 (VCV000262587.18), dbSNP rs4669781, ClinGen allele CA1533936.